The following is an entry in ClinVar:

ClinVar aggregate classification (germline): Uncertain significance (1 of 4 stars; one submission).

Submission:

Ambry Genetics
Classification: Uncertain significance. Last evaluated: 2022-06-24. Review status: criteria provided, single submitter. Criteria: Ambry Variant Classification Scheme 2023. Collection method: clinical testing. Allele origin: germline.
Comment: The p.A458P variant (also known as c.1372G>C), located in coding exon 10 of the RINT1 gene, results from a G to C substitution at nucleotide position 1372. The alanine at codon 458 is replaced by proline, an amino acid with highly similar properties. This amino acid position is conserved. In addition, this alteration is predicted to be tolerated by in silico analysis. Since supporting evidence is limited at this time, the clinical significance of this alteration remains unclear.

NM_021930.6(RINT1):c.1372G>C (p.Ala458Pro)

Gene: RINT1 (RAD50 interactor 1; plus strand). Cytogenetic location: 7q22.3.
Variant type: single nucleotide variant.
Coding change: c.1372G>C on transcript NM_021930.6 (MANE Select); coding-DNA position 1372, G replaced by C.
Protein change: p.Ala458Pro; replaces alanine 458 with proline.
Molecular consequence: missense variant. On other transcripts: non-coding transcript variant (1).
Genome position (GRCh38, 1-based): chr7:105,551,608, G>C. VCF-style: chr7-105551608-G-C. GRCh37 (hg19) VCF-style: chr7-105192055-G-C.
Other names: c.1138G>C, p.Ala380Pro (NM_001346599.2); c.349G>C, p.Ala117Pro (NM_001346600.2, NM_001346603.2); c.448G>C, p.Ala150Pro (NM_001346601.2); short protein forms A117P, A380P, A458P, A150P.
Identifiers: ClinVar variation 1771080 (VCV001771080.2), dbSNP rs1166954543, ClinGen allele CA368809853.